The following is an entry in ClinVar:

NM_005228.5(EGFR):c.7C>G (p.Pro3Ala)

Gene: EGFR (epidermal growth factor receptor; plus strand). Cytogenetic location: 7p11.2.
Variant type: single nucleotide variant.
Coding change: c.7C>G on transcript NM_005228.5 (MANE Select); coding-DNA position 7, C replaced by G.
Protein change: p.Pro3Ala; replaces proline 3 with alanine.
Molecular consequence: missense variant.
Genome position (GRCh38, 1-based): chr7:55,019,284, C>G. VCF-style: chr7-55019284-C-G. GRCh37 (hg19) VCF-style: chr7-55086977-C-G.
Other names: c.7C>G, p.Pro3Ala (NM_001346897.2, NM_001346898.2, NM_001346899.2 and 4 more transcripts); short protein forms P3A.
Identifiers: ClinVar variation 1024328 (VCV001024328.10), dbSNP rs773069229, ClinGen allele CA367611174.

ClinVar aggregate classification (germline): Uncertain significance (1 of 4 stars; one submission).

Conditions:
EGFR-related lung cancer (EGFR). Identifiers: MedGen CN130014.

Submission:

Labcorp Genetics (formerly Invitae), Labcorp
Classification: Uncertain significance for EGFR-related lung cancer. Last evaluated: 2022-08-22. Review status: criteria provided, single submitter. Criteria: Invitae Variant Classification Sherloc (09022015). Collection method: clinical testing. Allele origin: germline.
Comment: In summary, the available evidence is currently insufficient to determine the role of this variant in disease. Therefore, it has been classified as a Variant of Uncertain Significance. Algorithms developed to predict the effect of missense changes on protein structure and function output the following: SIFT: "Tolerated"; PolyPhen-2: "Benign"; Align-GVGD: "Class C0". The alanine amino acid residue is found in multiple mammalian species, which suggests that this missense change does not adversely affect protein function. ClinVar contains an entry for this variant (Variation ID: 1024328). This variant has not been reported in the literature in individuals affected with EGFR-related conditions. This variant is not present in population databases (gnomAD no frequency). This sequence change replaces proline, which is neutral and non-polar, with alanine, which is neutral and non-polar, at codon 3 of the EGFR protein (p.Pro3Ala).